The following is an entry in ClinVar:

NM_015272.5(RPGRIP1L):c.101G>A (p.Arg34Gln)

Gene: RPGRIP1L (RPGRIP1 like; minus strand). Cytogenetic location: 16q12.2.
Variant type: single nucleotide variant.
Coding change: c.101G>A on transcript NM_015272.5 (MANE Select); coding-DNA position 101, G replaced by A.
Protein change: p.Arg34Gln; replaces arginine 34 with glutamine.
Molecular consequence: missense variant.
Genome position (GRCh38, 1-based): chr16:53,696,280, C>T on the plus strand (G>A on the coding strand, the complement: RPGRIP1L is on the minus strand). VCF-style: chr16-53696280-C-T. GRCh37 (hg19) VCF-style: chr16-53730192-C-T.
Other names: c.101G>A (NM_015272.4); c.101G>A, p.Arg34Gln (NM_001127897.4, NM_001308334.3, NM_001328422.2 and 2 more transcripts); short protein forms R34Q.
Identifiers: ClinVar variation 1053024 (VCV001053024.9), dbSNP rs761513762, ClinGen allele CA8058210.

ClinVar aggregate classification (germline): Uncertain significance. Review status: criteria provided, multiple submitters, no conflicts (2 of 4 stars). 4 submissions from 4 submitters: Uncertain significance (3). 1 of the submissions does not count toward it. Last evaluated 2026-03-13.

Conditions:
Joubert syndrome. Also called: JOUBERT-BOLTSHAUSER SYNDROME; Familial aplasia of the vermis. Identifiers: Orphanet 475, MedGen C5979921, MONDO:0018772.
COACH syndrome 3. Identifiers: MedGen C5436841, MONDO:0030862, OMIM 619113.
Meckel syndrome, type 5 (MKS5). Identifiers: Orphanet 564, MedGen C1969052, MONDO:0012695, OMIM 611561.
Joubert syndrome 7 (JBTS7). Identifiers: Orphanet 220497, MedGen C1969053, MONDO:0012694, OMIM 611560.
RPGRIP1L-related disorder. Also called: RPGRIP1L-related disorders; RPGRIP1L-related condition. Identifiers: MedGen CN239416.
Meckel-Gruber syndrome. Also called: Dysencephalia splachnocystica; DYSENCEPHALIA SPLANCHNOCYSTICA; GRUBER SYNDROME. Identifiers: Orphanet 564, MedGen C0265215, MONDO:0018921.

Allele frequency attached by ClinVar (database versions not stated): ExAC 0.00001; gnomAD exomes 0.00001; TOPMed 0.00002.
gnomAD v4.1: 17 of 1,613,896 alleles (0.0011%); highest among the groups gnomAD compares: East Asian, 0.011%; no homozygotes.

Submissions (4):

PreventionGenetics, part of Exact Sciences
Classification: Uncertain significance for RPGRIP1L-related condition. Last evaluated: 2026-03-13. Review status: criteria provided, single submitter. Criteria: ACMG Guidelines, 2015. Collection method: clinical testing. Allele origin: germline.
Comment: The RPGRIP1L c.101G>A variant is predicted to result in the amino acid substitution p.Arg34Gln. To our knowledge, this variant has not been reported in the literature. This variant is reported in 0.0054% of alleles in individuals of East Asian descent in gnomAD. At this time, the clinical significance of this variant is uncertain due to the absence of conclusive functional and genetic evidence.

Fulgent Genetics
Classification: Uncertain significance for Joubert syndrome 7; Meckel syndrome, type 5; COACH syndrome 3. Last evaluated: 2023-12-27. Review status: criteria provided, single submitter. Criteria: ACMG Guidelines, 2015. Collection method: clinical testing. Allele origin: germline.

Labcorp Genetics (formerly Invitae), Labcorp
Classification: Uncertain significance for Joubert syndrome; Meckel-Gruber syndrome. Last evaluated: 2022-07-25. Review status: criteria provided, single submitter. Criteria: Invitae Variant Classification Sherloc (09022015). Collection method: clinical testing. Allele origin: germline.
Comment: This sequence change replaces arginine, which is basic and polar, with glutamine, which is neutral and polar, at codon 34 of the RPGRIP1L protein (p.Arg34Gln). This variant is present in population databases (rs761513762, gnomAD 0.006%). This variant has not been reported in the literature in individuals affected with RPGRIP1L-related conditions. ClinVar contains an entry for this variant (Variation ID: 1053024). Algorithms developed to predict the effect of missense changes on protein structure and function output the following: SIFT: "Tolerated"; PolyPhen-2: "Benign"; Align-GVGD: "Class C0". The glutamine amino acid residue is found in multiple mammalian species, which suggests that this missense change does not adversely affect protein function. In summary, the available evidence is currently insufficient to determine the role of this variant in disease. Therefore, it has been classified as a Variant of Uncertain Significance.

Natera, Inc.
Classification: Uncertain significance for Joubert syndrome. Last evaluated: 2020-08-12. Review status: no assertion criteria provided. Collection method: clinical testing. Allele origin: germline. Not counted in ClinVar's aggregate classification.